The following is an entry in ClinVar:

NM_001368894.2(PAX6):c.142-52del

Gene: PAX6 (paired box 6; minus strand). Cytogenetic location: 11p13.
Variant type: Deletion.
Coding change: c.142-52del on transcript NM_001368894.2 (MANE Select); 52 bases into the intron before coding-DNA position 142, one base deleted (A; older notation c.142-52delA).
Molecular consequence: intron variant.
Genome position (GRCh38, 1-based): chr11:31,801,964, T deleted on the plus strand (A on the coding strand, the reverse complement: PAX6 is on the minus strand); the first of 7 consecutive T bases (chr11:31,801,964-31,801,970); deleting any one gives the same sequence. VCF-style (leftmost placement, unchanged base first): chr11-31801963-CT-C. GRCh37 (hg19) VCF-style: chr11-31823511-CT-C.
Other names: c.142-188delA (NM_000280.3); c.142-188del (NM_001127612.3, NM_001368890.2, NM_001368888.2 and 11 more transcripts); c.142-52del (NM_001368921.2, NM_001368923.2, NM_001258462.3 and 13 more transcripts); c.217-52del (NM_001368919.2, NM_001368918.2); c.385-188del (NM_001368910.2); c.-267-188del (NM_001368909.2, NM_001368904.2, NM_001368906.2 and 3 more transcripts); c.145-52del (NM_001368911.2); c.-640-52del (NM_001368905.2, NM_001310160.2); and 3 more.
Identifiers: ClinVar variation 418398 (VCV000418398.2), dbSNP rs145866071, ClinGen allele CA5933952.

ClinVar aggregate classification (germline): Benign (1 of 4 stars; one submission).

Submission:

GeneDx
Classification: Benign. Last evaluated: 2016-01-05. Review status: criteria provided, single submitter. Criteria: GeneDx Variant Classification (06012015). Collection method: clinical testing. Allele origin: germline. Affected: yes.
Comment: This variant is considered likely benign or benign based on one or more of the following criteria: it is a conservative change, it occurs at a poorly conserved position in the protein, it is predicted to be benign by multiple in silico algorithms, and/or has population frequency not consistent with disease.